The following is an entry in ClinVar:

NM_000018.4(ACADVL):c.95G>A (p.Arg32Gln)

Genes: ACADVL (acyl-CoA dehydrogenase very long chain; plus strand), LOC130060113 (ATAC-STARR-seq lymphoblastoid silent region 8088; plus strand). Cytogenetic location: 17p13.1.
Variant type: single nucleotide variant.
Coding change: c.95G>A on transcript NM_000018.4 (MANE Select); coding-DNA position 95, G replaced by A.
Protein change: p.Arg32Gln; replaces arginine 32 with glutamine.
Molecular consequence: missense variant. On other transcripts: 5 prime UTR variant (1).
Genome position (GRCh38, 1-based): chr17:7,220,154, G>A. VCF-style: chr17-7220154-G-A. GRCh37 (hg19) VCF-style: chr17-7123473-G-A.
Other names: c.95G>A, p.Arg32Gln (NM_001033859.3); c.164G>A, p.Arg55Gln (NM_001270447.2); c.-134G>A (NM_001270448.2); short protein forms R32Q, R55Q.
Identifiers: ClinVar variation 570124 (VCV000570124.12), dbSNP rs754806489, ClinGen allele CA8337544.

ClinVar aggregate classification (germline): Uncertain significance. Review status: criteria provided, multiple submitters, no conflicts (2 of 4 stars). 3 submissions from 3 submitters: Uncertain significance (2). 1 of the submissions does not count toward it. Last evaluated 2022-09-27.

Conditions:
Very long chain acyl-CoA dehydrogenase deficiency (ACADVLD). Also called: VLCAD Deficiency; Very Long-Chain Acyl-Coenzyme A Dehydrogenase Deficiency. Identifiers: Orphanet 26793, MedGen C3887523, MONDO:0008723, OMIM 201475.

Allele frequency attached by ClinVar (database versions not stated): TOPMed below 0.00001; gnomAD 0.00001; gnomAD exomes 0.00001; ExAC 0.00010.
gnomAD v4.1: 24 of 1,545,602 alleles (0.0016%); highest among the groups gnomAD compares: Middle Eastern, 0.019%; no homozygotes.

Submissions (3):

Labcorp Genetics (formerly Invitae), Labcorp
Classification: Uncertain significance for Very long chain acyl-CoA dehydrogenase deficiency. Last evaluated: 2022-09-27. Review status: criteria provided, single submitter. Criteria: Invitae Variant Classification Sherloc (09022015). Collection method: clinical testing. Allele origin: germline.
Comment: This sequence change replaces arginine, which is basic and polar, with glutamine, which is neutral and polar, at codon 32 of the ACADVL protein (p.Arg32Gln). This variant is present in population databases (rs754806489, gnomAD 0.01%). This variant has not been reported in the literature in individuals affected with ACADVL-related conditions. ClinVar contains an entry for this variant (Variation ID: 570124). Algorithms developed to predict the effect of missense changes on protein structure and function output the following: SIFT: "Tolerated"; PolyPhen-2: "Not Available"; Align-GVGD: "Class C0". The glutamine amino acid residue is found in multiple mammalian species, which suggests that this missense change does not adversely affect protein function. In summary, the available evidence is currently insufficient to determine the role of this variant in disease. Therefore, it has been classified as a Variant of Uncertain Significance.

Wong Mito Lab, Molecular and Human Genetics, Baylor College of Medicine
Classification: Uncertain significance for Very long chain acyl-CoA dehydrogenase deficiency. Last evaluated: 2019-11-01. Review status: criteria provided, single submitter. Criteria: ACMG Guidelines, 2015. Collection method: clinical testing. Allele origin: germline.
Comment: The NM_000018.3:c.95G>A (NP_000009.1:p.Arg32Gln) [GRCH38: NC_000017.11:g.7220154G>A] variant in ACADVL gene is interpretated to be Uncertain Significance based on ACMG guidelines (PMID: 25741868). This variant has been reported. This variant meets the following evidence codes reported in the ACMG guidelines: BP6

Natera, Inc.
Classification: Uncertain significance for Very long chain acyl-CoA dehydrogenase deficiency. Last evaluated: 2020-07-30. Review status: no assertion criteria provided. Collection method: clinical testing. Allele origin: germline. Not counted in ClinVar's aggregate classification.